The following is an entry in ClinVar:

NM_004247.4(EFTUD2):c.105G>A (p.Glu35=)

Gene: EFTUD2 (elongation factor Tu GTP binding domain containing 2; minus strand). Cytogenetic location: 17q21.31.
Variant type: single nucleotide variant.
Coding change: c.105G>A on transcript NM_004247.4 (MANE Select); coding-DNA position 105, G replaced by A.
Protein change: p.Glu35=; no amino-acid change (glutamic acid 35 retained).
Molecular consequence: synonymous variant. On other transcripts: intron variant (1).
Genome position (GRCh38, 1-based): chr17:44,894,417, C>T on the plus strand (G>A on the coding strand, the complement: EFTUD2 is on the minus strand). VCF-style: chr17-44894417-C-T. GRCh37 (hg19) VCF-style: chr17-42971785-C-T.
Other names: c.105G>A, p.Glu35= (NM_001258353.2, NM_001258354.2); c.-1+4952G>A (NM_001142605.2).
Identifiers: ClinVar variation 546133 (VCV000546133.3), dbSNP rs1555571121, ClinGen allele CA500318903.

ClinVar aggregate classification (germline): Likely pathogenic (1 of 4 stars; one submission).

Submission:

GeneDx
Classification: Likely pathogenic. Last evaluated: 2025-02-26. Review status: criteria provided, single submitter. Criteria: GeneDx Variant Classification Process June 2021. Collection method: clinical testing. Allele origin: germline. Affected: yes.
Comment: In silico analysis is inconclusive as to whether the variant alters gene splicing; however RNA studies using patient derived cells demonstrate that the variant results abnormal splicing and the skipping of exon 2 (PMID: 26507355); Not observed at significant frequency in large population cohorts (gnomAD); This variant is associated with the following publications: (PMID: 32408545, 26507355)